The following is an entry in ClinVar:

ClinVar aggregate classification (germline): Likely benign. Review status: criteria provided, multiple submitters, no conflicts (2 of 4 stars). 2 submissions from 2 submitters: Likely benign (2). Last evaluated 2025-12-03.

Conditions:
TOPORS-related disorder. Also called: TOPORS-related condition.

Allele frequency attached by ClinVar (database versions not stated): gnomAD exomes below 0.00001 and 0.00001; ExAC 0.00002; TOPMed 0.00005; gnomAD 0.00006.

Submissions (2):

Labcorp Genetics (formerly Invitae), Labcorp
Classification: Likely benign. Last evaluated: 2025-12-03. Review status: criteria provided, single submitter. Criteria: Invitae Variant Classification Sherloc (09022015). Collection method: clinical testing. Allele origin: germline.

PreventionGenetics, part of Exact Sciences
Classification: Likely benign for TOPORS-related condition. Last evaluated: 2025-07-31. Review status: criteria provided, single submitter. Criteria: ACMG Guidelines, 2015. Collection method: clinical testing. Allele origin: germline.
Comment: This variant is classified as likely benign based on ACMG/AMP sequence variant interpretation guidelines (Richards et al. 2015 PMID: 25741868, with internal and published modifications).

NM_005802.5(TOPORS):c.3030C>T (p.Asn1010=)

Gene: TOPORS (TOP1 binding arginine/serine rich protein, E3 ubiquitin ligase; minus strand). Cytogenetic location: 9p21.1.
Variant type: single nucleotide variant.
Coding change: c.3030C>T on transcript NM_005802.5 (MANE Select); coding-DNA position 3030, C replaced by T.
Protein change: p.Asn1010=; no amino-acid change (asparagine 1010 retained).
Molecular consequence: synonymous variant.
Genome position (GRCh38, 1-based): chr9:32,541,495, G>A on the plus strand (C>T on the coding strand, the complement: TOPORS is on the minus strand). VCF-style: chr9-32541495-G-A. GRCh37 (hg19) VCF-style: chr9-32541493-G-A.
Other names: c.2835C>T, p.Asn945= (NM_001195622.2).
Identifiers: ClinVar variation 748450 (VCV000748450.11), dbSNP rs746126550, ClinGen allele CA5020282.
Genomic context (GRCh38, chr9:32,541,495, plus strand): 5'-CCGTGGCGATGGCAATTGCCTTGATGGCTCAGTTTGAAGAGACACAATGTTACTGGGCTG[G>A]TTCTCCAAATCAGAAACAAAGGTGCTCTCTTCTCTTACATCGAGAGTTTGTTCAACTGAA-3'
Protein context (NP_005793.2, residues 1000-1020): EESTFVSDLE[Asn1010=]QPSNIVSLQT